The following is an entry in ClinVar:

NM_000288.4(PEX7):c.116A>C (p.His39Pro)

Gene: PEX7 (peroxisomal biogenesis factor 7; plus strand). Cytogenetic location: 6q23.3.
Variant type: single nucleotide variant.
Coding change: c.116A>C on transcript NM_000288.4 (MANE Select); coding-DNA position 116, A replaced by C.
Protein change: p.His39Pro; replaces histidine 39 with proline.
Molecular consequence: missense variant.
Genome position (GRCh38, 1-based): chr6:136,822,781, A>C. VCF-style: chr6-136822781-A-C. GRCh37 (hg19) VCF-style: chr6-137143919-A-C.
Other names: c.116A>C (NM_000288.3); short protein forms H39P.
Identifiers: ClinVar variation 813362 (VCV000813362.7), dbSNP rs61753237, ClinGen allele CA148640686.
Genomic context (GRCh38, chr6:136,822,781, plus strand): 5'-GCTACGCCGCCGAGTTCTCCCCGTACCTGCCGGGCCGCCTGGCCTGCGCCACCGCGCAGC[A>C]CTACGGCATCGCGGGTGAGGCGGCGCCGCGCAGCTGGGGCCGGGGGGCGGAGGCGGAGGC-3'
Protein context (NP_000279.1, residues 29-49): PGRLACATAQ[His39Pro]YGIAGCGTLL

ClinVar aggregate classification (germline): Conflicting classifications of pathogenicity. Review status: criteria provided, conflicting classifications (1 of 4 stars). 5 submissions from 4 submitters: Likely pathogenic (4); Uncertain significance (1). Last evaluated 2025-10-10.

Conditions:
Rhizomelic chondrodysplasia punctata type 1 (RCDP1). Also called: PEROXISOME BIOGENESIS DISORDER 9; CHONDRODYSTROPHIA CALCIFICANS PUNCTATA; PEX7-Related Rhizomelic Chondrodysplasia Punctata. Identifiers: Orphanet 177, Orphanet 309789, MedGen C1859133, MONDO:0008972, OMIM 215100. Disease mechanism: loss of function.
Rhizomelic chondrodysplasia punctata (RCDP). Identifiers: Orphanet 177, MedGen C0282529, MONDO:0015776. Disease mechanism: loss of function.
Peroxisome biogenesis disorder 9B. Also called: PEROXISOME BIOGENESIS DISORDER, PEX7-RELATED, ATYPICAL; PEX7-Related Refsum Disease; Refsum disease, adult, 2. Identifiers: Orphanet 773, MedGen C2749346, MONDO:0013945, OMIM 614879.

Allele frequency attached by ClinVar (database versions not stated): gnomAD exomes below 0.00001 and 0.00003.
gnomAD v4.1: 1 of 1,358,756 alleles (0.000074%); highest among the groups gnomAD compares: African/African-American, 0.0015%; no homozygotes.

Submissions (5):

Natera, Inc.
Classification: Likely pathogenic for Rhizomelic Chondrodysplasia Punctata. Last evaluated: 2025-10-10. Review status: criteria provided, single submitter. Criteria: Natera Variant Classification Schema (03/2026). Collection method: clinical testing. Allele origin: germline.
Comment: The c.116A>C variant in PEX7 is a missense variant predicted to cause substitution of histidine to proline at amino acid 39. This variant is rare in the general population with a frequency below the threshold expected for the associated phenotype(s). This variant has been observed in one or more individuals affected with the associated recessive disease, as either homozygous or compound heterozygous with a second variant (PMID: 38438125, 12325024). This variant has been identified in one or more affected individual with a phenotype highly consistent with the associated gene (PMID: 38438125). Computational prediction algorithms indicate this variant is likely to affect gene or protein function. Given the available evidence, this variant is classified as Likely Pathogenic.

Women's Health and Genetics/Laboratory Corporation of America, LabCorp
Classification: Uncertain significance. Last evaluated: 2024-06-21. Review status: criteria provided, single submitter. Criteria: LabCorp Variant Classification Summary - May 2015. Collection method: clinical testing. Allele origin: germline.
Comment: Variant summary: PEX7 c.116A>C (p.His39Pro) results in a non-conservative amino acid change in the encoded protein sequence. Four of five in-silico tools predict a damaging effect of the variant on protein function. The variant allele was found at a frequency of 3.4e-05 in 29772 control chromosomes (gnomAD). c.116A>C has been reported in the literature in an individual affected with Rhizomelic Chondrodysplasia Punctata Type 1 (Braverman_2002). This report does not provide unequivocal conclusions about association of the variant with Rhizomelic Chondrodysplasia Punctata Type 1. At least one publication reports experimental evidence evaluating an impact on protein function, finding that the variant results in impaired import of PTS2 (Braverman_2002). The following publication has been ascertained in the context of this evaluation (PMID: 12325024). ClinVar contains an entry for this variant (Variation ID: 813362). Based on the evidence outlined above, the variant was classified as VUS-possibly pathogenic.

Genomic Medicine Center of Excellence, King Faisal Specialist Hospital and Research Centre
Classification: Likely pathogenic for Peroxisome biogenesis disorder 9B. Last evaluated: 2024-03-25. Review status: criteria provided, single submitter. Criteria: ACMG Guidelines, 2015. Collection method: research. Allele origin: germline.

Baylor Genetics
Classification: Likely pathogenic for Peroxisome biogenesis disorder 9B. Last evaluated: 2024-03-22. Review status: criteria provided, single submitter. Criteria: ACMG Guidelines, 2015. Collection method: clinical testing. Allele origin: unknown.

Baylor Genetics
Classification: Likely pathogenic for Rhizomelic chondrodysplasia punctata type 1. Review status: criteria provided, single submitter. Criteria: ACMG Guidelines, 2015. Collection method: clinical testing. Allele origin: germline.

Literature cited by the submitters: PubMed 38438125 (cited by Natera, Inc.); PubMed 12325024 (cited by Natera, Inc. and Women's Health and Genetics/Laboratory Corporation of America, LabCorp).